The following is an entry in ClinVar:

ClinVar aggregate classification (germline): Uncertain significance (1 of 4 stars; one submission).

Conditions:
RASopathy. Also called: rasopathies; Noonan spectrum disorder. Identifiers: Orphanet 536391, MedGen C5555857, MONDO:0021060.

Submission:

Labcorp Genetics (formerly Invitae), Labcorp
Classification: Uncertain significance for RASopathy. Last evaluated: 2025-09-08. Review status: criteria provided, single submitter. Criteria: Invitae Variant Classification Sherloc (09022015). Collection method: clinical testing. Allele origin: germline.
Comment: This sequence change replaces isoleucine, which is neutral and non-polar, with methionine, which is neutral and non-polar, at codon 241 of the SHOC2 protein (p.Ile241Met). This variant is not present in population databases (gnomAD no frequency). This variant has not been reported in the literature in individuals affected with SHOC2-related conditions. Invitae Evidence Modeling of protein sequence and biophysical properties (such as structural, functional, and spatial information, amino acid conservation, physicochemical variation, residue mobility, and thermodynamic stability) indicates that this missense variant is not expected to disrupt SHOC2 protein function with a negative predictive value of 80%. In summary, the available evidence is currently insufficient to determine the role of this variant in disease. Therefore, it has been classified as a Variant of Uncertain Significance.

NM_007373.4(SHOC2):c.723T>G (p.Ile241Met)

Gene: SHOC2 (SHOC2 leucine rich repeat scaffold protein; plus strand). Cytogenetic location: 10q25.2.
Variant type: single nucleotide variant.
Coding change: c.723T>G on transcript NM_007373.4 (MANE Select); coding-DNA position 723, T replaced by G.
Protein change: p.Ile241Met; replaces isoleucine 241 with methionine.
Molecular consequence: missense variant. On other transcripts: 5 prime UTR variant (2), non-coding transcript variant (1), intron variant (3).
Genome position (GRCh38, 1-based): chr10:110,985,647, T>G. VCF-style: chr10-110985647-T-G. GRCh37 (hg19) VCF-style: chr10-112745405-T-G.
Other names: c.723T>G, p.Ile241Met (NM_001324336.2, NM_001324337.2, NM_001441184.1 and 2 more transcripts); c.54T>G, p.Ile18Met (NM_001441188.1); c.-361T>G (NM_001441190.1); c.-230T>G (NM_001441191.1); c.704-14768T>G (NM_001441186.1, NM_001269039.3); c.-242-14768T>G (NM_001441189.1); short protein forms I18M, I241M.
Identifiers: ClinVar variation 4742962 (VCV004742962.1).